The following is an entry in ClinVar:

ClinVar aggregate classification (germline): Conflicting classifications of pathogenicity. Review status: criteria provided, conflicting classifications (1 of 4 stars). 8 submissions from 8 submitters: Uncertain significance (1); Likely benign (6). 1 of the submissions does not count toward it. Last evaluated 2026-03-01.

Conditions:
MEGF8-related disorder. Also called: MEGF8-related condition.
Inborn genetic diseases. Identifiers: MedGen C0950123, MeSH D030342.
MEGF8-related Carpenter syndrome. Also called: Carpenter syndrome 2. Identifiers: Orphanet 65759, MedGen C3554247, MONDO:0013998, OMIM 614976.

Allele frequency attached by ClinVar (database versions not stated): 1000 Genomes Project 30x 0.00375; 1000 Genomes Project 0.00399; TOPMed 0.00506; ESP Exome Variant Server 0.00531; gnomAD exomes 0.00576 and 0.00772; gnomAD 0.00613 and 0.00639; ExAC 0.00617.
gnomAD v4.1: 12,022 of 1,599,210 alleles (0.75%); highest among the groups gnomAD compares: Middle Eastern, 1.5%; 45 homozygotes.

Submissions (8):

CeGaT Center for Human Genetics Tuebingen
Classification: Likely benign. Last evaluated: 2026-03-01. Review status: criteria provided, single submitter. Criteria: CeGaT Center For Human Genetics Tuebingen Variant Classification Criteria Version 2. Collection method: clinical testing. Allele origin: germline. Affected: yes. Observed: 19 variant alleles.
Comment: MEGF8: BS2

Labcorp Genetics (formerly Invitae), Labcorp
Classification: Likely benign for MEGF8-related Carpenter syndrome. Last evaluated: 2026-02-01. Review status: criteria provided, single submitter. Criteria: Invitae Variant Classification Sherloc (09022015). Collection method: clinical testing. Allele origin: germline.

Blueprint Genetics
Classification: Likely benign. Last evaluated: 2024-11-27. Review status: criteria provided, single submitter. Criteria: ACMG Guidelines, 2015. Collection method: clinical testing. Allele origin: germline.

Ambry Genetics
Classification: Uncertain significance for Inborn genetic diseases. Last evaluated: 2021-06-18. Review status: criteria provided, single submitter. Criteria: Ambry Variant Classification Scheme 2023. Collection method: clinical testing. Allele origin: germline.

GeneDx
Classification: Likely benign. Last evaluated: 2020-05-04. Review status: criteria provided, single submitter. Criteria: GeneDx Variant Classification Process June 2021. Collection method: clinical testing. Allele origin: germline. Affected: yes.

Center for Pediatric Genomic Medicine, Children's Mercy Hospital and Clinics
Classification: Likely benign. Last evaluated: 2016-05-16. Review status: criteria provided, single submitter. Criteria: ACMG Guidelines, 2015. Collection method: clinical testing. Allele origin: germline.
ClinVar note: Converted during submission from Likely Benign to Likely benign.

Breakthrough Genomics
Classification: Likely benign. Review status: criteria provided, single submitter. Criteria: ACMG Guidelines, 2015. Collection method: not provided. Allele origin: germline. Inheritance: Autosomal recessive inheritance. Affected: yes.

PreventionGenetics, part of Exact Sciences
Classification: Benign for MEGF8-related condition. Last evaluated: 2019-10-16. Review status: no assertion criteria provided. Collection method: clinical testing. Allele origin: germline. Not counted in ClinVar's aggregate classification.
Comment: This variant is classified as benign based on ACMG/AMP sequence variant interpretation guidelines (Richards et al. 2015 PMID: 25741868, with internal and published modifications).

NM_001271938.2(MEGF8):c.7673C>T (p.Pro2558Leu)

Gene: MEGF8 (multiple EGF like domains 8; plus strand). Cytogenetic location: 19q13.2.
Variant type: single nucleotide variant.
Coding change: c.7673C>T on transcript NM_001271938.2 (MANE Select); coding-DNA position 7673, C replaced by T.
Protein change: p.Pro2558Leu; replaces proline 2558 with leucine.
Molecular consequence: missense variant.
Genome position (GRCh38, 1-based): chr19:42,375,910, C>T. VCF-style: chr19-42375910-C-T. GRCh37 (hg19) VCF-style: chr19-42880062-C-T.
Other names: c.7472C>T, p.Pro2491Leu (NM_001410.3); short protein forms P2491L, P2558L.
Identifiers: ClinVar variation 235520 (VCV000235520.41), dbSNP rs147216997, ClinGen allele CA9476230.